The following is an entry in ClinVar:

ClinVar aggregate classification (germline): Uncertain significance. Review status: criteria provided, multiple submitters, no conflicts (2 of 4 stars). 2 submissions from 2 submitters: Uncertain significance (2). Last evaluated 2025-12-18.

Conditions:
Progressive myoclonic epilepsy. Also called: Myoclonus epilepsy; Familial progressive myoclonic epilepsy; Myoclonic Epilepsies, Progressive; Progressive myoclonus epilepsy. Identifiers: Orphanet 308, Orphanet 98261, MedGen C0751778, MONDO:0020074.

Allele frequency attached by ClinVar (database versions not stated): TOPMed 0.00002.
gnomAD v4.1: 2 of 1,309,864 alleles (0.00015%); highest among the groups gnomAD compares: Admixed American, 0.0033%; no homozygotes.

Submissions (2):

GeneDx
Classification: Uncertain significance. Last evaluated: 2025-12-18. Review status: criteria provided, single submitter. Criteria: GeneDx Variant Classification Process June 2021. Collection method: clinical testing. Allele origin: germline. Affected: yes.
Comment: Not observed at significant frequency in large population cohorts (gnomAD); In silico analysis suggests that this missense variant does not alter protein structure/function; Has not been previously published as pathogenic or benign to our knowledge

Labcorp Genetics (formerly Invitae), Labcorp
Classification: Uncertain significance for Progressive myoclonic epilepsy. Last evaluated: 2022-02-22. Review status: criteria provided, single submitter. Criteria: Invitae Variant Classification Sherloc (09022015). Collection method: clinical testing. Allele origin: germline.
Comment: This sequence change replaces glycine, which is neutral and non-polar, with glutamic acid, which is acidic and polar, at codon 50 of the EPM2A protein (p.Gly50Glu). This variant is not present in population databases (gnomAD no frequency). This variant has not been reported in the literature in individuals affected with EPM2A-related conditions. ClinVar contains an entry for this variant (Variation ID: 205425). Algorithms developed to predict the effect of missense changes on protein structure and function (SIFT, PolyPhen-2, Align-GVGD) all suggest that this variant is likely to be tolerated. In summary, the available evidence is currently insufficient to determine the role of this variant in disease. Therefore, it has been classified as a Variant of Uncertain Significance.

NM_005670.4(EPM2A):c.149G>A (p.Gly50Glu)

Genes: EPM2A (EPM2A glucan phosphatase, laforin; minus strand), EPM2A-DT (EPM2A divergent transcript; plus strand), LOC129997381 (ATAC-STARR-seq lymphoblastoid silent region 17642; plus strand). Cytogenetic location: 6q24.3.
Variant type: single nucleotide variant.
Coding change: c.149G>A on transcript NM_005670.4 (MANE Select); coding-DNA position 149, G replaced by A.
Protein change: p.Gly50Glu; replaces glycine 50 with glutamic acid.
Molecular consequence: missense variant. On other transcripts: 5 prime UTR variant (3), intron variant (1).
Genome position (GRCh38, 1-based): chr6:145,735,350, C>T on the plus strand (G>A on the coding strand, the complement: EPM2A is on the minus strand). VCF-style: chr6-145735350-C-T. GRCh37 (hg19) VCF-style: chr6-146056486-C-T.
Other names: p.G50E:GGG>GAG; c.149G>A, p.Gly50Glu (NM_001018041.2, NM_001360057.2, NM_001368130.1); c.-521G>A (NM_001360071.2); c.-475G>A (NM_001368129.2); c.-219G>A (NM_001368131.1); c.-114+558G>A (NM_001360064.2); short protein forms G50E.
Identifiers: ClinVar variation 205425 (VCV000205425.12), dbSNP rs796052422, ClinGen allele CA314482.